The following is an entry in ClinVar:

ClinVar aggregate classification (germline): Uncertain significance (1 of 4 stars; one submission).

Allele frequency attached by ClinVar (database versions not stated): gnomAD exomes below 0.00001; TOPMed below 0.00001.
gnomAD v4.1: 1 of 1,614,108 alleles (0.000062%); highest among the groups gnomAD compares: Non-Finnish European, 0.000085%; no homozygotes.

Submission:

GeneDx
Classification: Uncertain significance. Last evaluated: 2022-12-29. Review status: criteria provided, single submitter. Criteria: GeneDx Variant Classification Process June 2021. Collection method: clinical testing. Allele origin: germline. Affected: yes.
Comment: Not observed at significant frequency in large population cohorts (gnomAD); In silico analysis supports that this missense variant does not alter protein structure/function; Has not been previously published as pathogenic or benign to our knowledge

NM_014415.4(ZBTB11):c.2416A>C (p.Lys806Gln)

Gene: ZBTB11 (zinc finger and BTB domain containing 11; minus strand). Cytogenetic location: 3q12.3.
Variant type: single nucleotide variant.
Coding change: c.2416A>C on transcript NM_014415.4 (MANE Select); coding-DNA position 2416, A replaced by C.
Protein change: p.Lys806Gln; replaces lysine 806 with glutamine.
Molecular consequence: missense variant.
Genome position (GRCh38, 1-based): chr3:101,652,832, T>G on the plus strand (A>C on the coding strand, the complement: ZBTB11 is on the minus strand). VCF-style: chr3-101652832-T-G. GRCh37 (hg19) VCF-style: chr3-101371676-T-G.
Other names: short protein forms K806Q.
Identifiers: ClinVar variation 2507327 (VCV002507327.1), dbSNP rs931412101, ClinGen allele CA79769217.